The following is an entry in ClinVar:

ClinVar aggregate classification (germline): Uncertain significance (1 of 4 stars; one submission).

gnomAD v4.1: 14 of 1,611,520 alleles (0.00087%); highest among the groups gnomAD compares: South Asian, 0.0011%; no homozygotes.

Submission:

GeneDx
Classification: Uncertain significance. Last evaluated: 2025-01-21. Review status: criteria provided, single submitter. Criteria: GeneDx Variant Classification Process June 2021. Collection method: clinical testing. Allele origin: germline. Affected: yes.
Comment: Observed in the heterozygous state in a patient with diffuse chorioretinal atrophy and central staphyloma in published literature (PMID: 35457050); In silico analysis supports that this missense variant has a deleterious effect on protein structure/function; This variant is associated with the following publications: (PMID: 35457050)

NM_005208.5(CRYBA1):c.190C>T (p.Arg64Trp)

Gene: CRYBA1 (crystallin beta A1; plus strand). Cytogenetic location: 17q11.2.
Variant type: single nucleotide variant.
Coding change: c.190C>T on transcript NM_005208.5 (MANE Select); coding-DNA position 190, C replaced by T.
Protein change: p.Arg64Trp; replaces arginine 64 with tryptophan.
Molecular consequence: missense variant.
Genome position (GRCh38, 1-based): chr17:29,250,275, C>T. VCF-style: chr17-29250275-C-T. GRCh37 (hg19) VCF-style: chr17-27577293-C-T.
Other names: short protein forms R64W.
Identifiers: ClinVar variation 4070635 (VCV004070635.1).